The following is an entry in ClinVar:

ClinVar aggregate classification (germline): Benign. Review status: criteria provided, multiple submitters, no conflicts (2 of 4 stars). 5 submissions from 5 submitters: Benign (5). Last evaluated 2026-02-04.

Conditions:
Short-rib thoracic dysplasia 11 with or without polydactyly (SRTD11). Also called: SHORT-RIB THORACIC DYSPLASIA 11 WITHOUT POLYDACTYLY. Identifiers: Orphanet 474, Orphanet 93271, MedGen C3810200, MONDO:0014287, OMIM 615633.

Allele frequency attached by ClinVar (database versions not stated): 1000 Genomes Project 30x 0.61883; 1000 Genomes Project 0.62141; TOPMed 0.70753; gnomAD 0.72271 and 0.72394; ESP Exome Variant Server 0.73258; ExAC 0.78827; gnomAD exomes 0.79115.
gnomAD v4.1: 1,351,091 of 1,613,070 alleles (84%); highest among the groups gnomAD compares: Non-Finnish European, 89%; 578,235 homozygotes.

Submissions (5):

Labcorp Genetics (formerly Invitae), Labcorp
Classification: Benign for Short-rib thoracic dysplasia 11 with or without polydactyly. Last evaluated: 2026-02-04. Review status: criteria provided, single submitter. Criteria: Invitae Variant Classification Sherloc (09022015). Collection method: clinical testing. Allele origin: germline.

Blueprint Genetics
Classification: Benign. Last evaluated: 2024-11-27. Review status: criteria provided, single submitter. Criteria: ACMG Guidelines, 2015. Collection method: clinical testing. Allele origin: germline.

Genome-Nilou Lab
Classification: Benign for Short-rib thoracic dysplasia 11 with or without polydactyly. Last evaluated: 2021-12-05. Review status: criteria provided, single submitter. Criteria: ACMG Guidelines, 2015. Collection method: clinical testing. Allele origin: germline. Affected: no.

GeneDx
Classification: Benign. Last evaluated: 2017-10-26. Review status: criteria provided, single submitter. Criteria: GeneDx Variant Classification (06012015). Collection method: clinical testing. Allele origin: germline. Affected: yes.
Comment: This variant is considered likely benign or benign based on one or more of the following criteria: it is a conservative change, it occurs at a poorly conserved position in the protein, it is predicted to be benign by multiple in silico algorithms, and/or has population frequency not consistent with disease.

Breakthrough Genomics
Classification: Benign. Review status: criteria provided, single submitter. Criteria: ACMG Guidelines, 2015. Collection method: not provided. Allele origin: germline. Inheritance: Autosomal recessive inheritance. Affected: yes.

NM_052844.4(DYNC2I2):c.873C>T (p.Thr291=)

Genes: DYNC2I2 (dynein 2 intermediate chain 2; minus strand), LOC126860772 (CDK7 strongly-dependent group 2 enhancer GRCh37_chr9:131396972-131398171; plus strand). Cytogenetic location: 9q34.11.
Variant type: single nucleotide variant.
Coding change: c.873C>T on transcript NM_052844.4 (MANE Select); coding-DNA position 873, C replaced by T.
Protein change: p.Thr291=; no amino-acid change (threonine 291 retained).
Molecular consequence: synonymous variant.
Genome position (GRCh38, 1-based): chr9:128,635,200, G>A on the plus strand (C>T on the coding strand, the complement: DYNC2I2 is on the minus strand). VCF-style: chr9-128635200-G-A. GRCh37 (hg19) VCF-style: chr9-131397479-G-A.
Identifiers: ClinVar variation 516214 (VCV000516214.13), dbSNP rs4837291, ClinGen allele CA5266430.
Genomic context (GRCh38, chr9:128,635,200, plus strand): 5'-GCCCTCTGTGAGCTGCAGCTGGCCTACCCCGATGCCCTGCCAGAGTAGCACCTTCCCGTC[G>A]GTGGCCACACTCAGCACCTGGAAGCGGTGGCTGTGCCCAGGCTCGGGCAGCCACACCACC-3'
Protein context (NP_443076.2, residues 281-301): SHRFQVLSVA[Thr291=]DGKVLLWQGI